The following is an entry in ClinVar:

ClinVar aggregate classification (germline): Uncertain significance (1 of 4 stars; one submission).

gnomAD v4.1: 1 of 1,539,528 alleles (0.000065%); highest among the groups gnomAD compares: Non-Finnish European, 0.000088%; no homozygotes.

Submission:

GeneDx
Classification: Uncertain significance. Last evaluated: 2023-06-08. Review status: criteria provided, single submitter. Criteria: GeneDx Variant Classification Process June 2021. Collection method: clinical testing. Allele origin: germline. Affected: yes.
Comment: Not observed at significant frequency in large population cohorts (gnomAD); In silico analysis supports that this missense variant has a deleterious effect on protein structure/function; Has not been previously published as pathogenic or benign to our knowledge

NM_001367479.1(DNAH14):c.1013G>A (p.Cys338Tyr)

Gene: DNAH14 (dynein axonemal heavy chain 14; plus strand). Cytogenetic location: 1q42.12.
Variant type: single nucleotide variant.
Coding change: c.1013G>A on transcript NM_001367479.1 (MANE Select); coding-DNA position 1013, G replaced by A.
Protein change: p.Cys338Tyr; replaces cysteine 338 with tyrosine.
Molecular consequence: missense variant.
Genome position (GRCh38, 1-based): chr1:225,007,450, G>A. VCF-style: chr1-225007450-G-A. GRCh37 (hg19) VCF-style: chr1-225195152-G-A.
Other names: NM_001373.1:c.1013G>A; c.1013G>A, p.Cys338Tyr (NM_001145154.3); c.944G>A, p.Cys315Tyr (NM_001349911.2); short protein forms C315Y, C338Y.
Identifiers: ClinVar variation 3359349 (VCV003359349.1).
Genomic context (GRCh38, chr1:225,007,450, plus strand): 5'-AACATTTACTATCATCTAATTAGCTGGATAGTTCTCGAACATATTCTCTAGATGAATTTT[G>A]TGAAGAGCAGTTACAGCAAGCTACCCAGGCATTGAAACAACTTGAGGACATCAGGAATAA-3'
Protein context (NP_001354408.1, residues 328-348): SSRTYSLDEF[Cys338Tyr]EEQLQQATQA